The following is an entry in ClinVar:

ClinVar aggregate classification (germline): Uncertain significance. Review status: criteria provided, multiple submitters, no conflicts (2 of 4 stars). 2 submissions from 2 submitters: Uncertain significance (2). Last evaluated 2024-04-05.

Conditions:
Familial cancer of breast. Also called: BREAST CANCER, FAMILIAL; Hereditary breast cancer; hereditary breast carcinoma. Identifiers: Orphanet 227535, MedGen C0346153, MONDO:0016419, OMIM 114480. Disease mechanism: loss of function.
Hereditary cancer-predisposing syndrome. Also called: Neoplastic Syndromes, Hereditary; Tumor predisposition; Hereditary Cancer Syndrome; Hereditary neoplastic syndrome. Identifiers: Orphanet 140162, MedGen C0027672, MeSH D009386, MONDO:0015356.

Submissions (2):

Labcorp Genetics (formerly Invitae), Labcorp
Classification: Uncertain significance for Familial cancer of breast. Last evaluated: 2024-04-05. Review status: criteria provided, single submitter. Criteria: Invitae Variant Classification Sherloc (09022015). Collection method: clinical testing. Allele origin: germline.
Comment: This sequence change replaces tyrosine, which is neutral and polar, with histidine, which is basic and polar, at codon 739 of the BARD1 protein (p.Tyr739His). This variant is not present in population databases (gnomAD no frequency). This variant has not been reported in the literature in individuals affected with BARD1-related conditions. ClinVar contains an entry for this variant (Variation ID: 1787832). An algorithm developed to predict the effect of missense changes on protein structure and function (PolyPhen-2) suggests that this variant is likely to be disruptive. In summary, the available evidence is currently insufficient to determine the role of this variant in disease. Therefore, it has been classified as a Variant of Uncertain Significance.

Ambry Genetics
Classification: Uncertain significance for Hereditary cancer-predisposing syndrome. Last evaluated: 2020-07-28. Review status: criteria provided, single submitter. Criteria: Ambry Variant Classification Scheme 2023. Collection method: clinical testing. Allele origin: germline.
Comment: The p.Y739H variant (also known as c.2215T>C), located in coding exon 11 of the BARD1 gene, results from a T to C substitution at nucleotide position 2215. The tyrosine at codon 739 is replaced by histidine, an amino acid with similar properties. This amino acid position is highly conserved in available vertebrate species. In addition, this alteration is predicted to be tolerated by in silico analysis. Since supporting evidence is limited at this time, the clinical significance of this alteration remains unclear.

NM_000465.4(BARD1):c.2215T>C (p.Tyr739His)

Gene: BARD1 (BRCA1 associated RING domain 1; minus strand). Cytogenetic location: 2q35.
Variant type: single nucleotide variant.
Coding change: c.2215T>C on transcript NM_000465.4 (MANE Select); coding-DNA position 2215, T replaced by C.
Protein change: p.Tyr739His; replaces tyrosine 739 with histidine.
Molecular consequence: missense variant. On other transcripts: non-coding transcript variant (3).
Genome position (GRCh38, 1-based): chr2:214,728,795, A>G on the plus strand (T>C on the coding strand, the complement: BARD1 is on the minus strand). VCF-style: chr2-214728795-A-G. GRCh37 (hg19) VCF-style: chr2-215593519-A-G.
Other names: c.2158T>C, p.Tyr720His (NM_001282543.2); c.862T>C, p.Tyr288His (NM_001282545.2); c.805T>C, p.Tyr269His (NM_001282548.2); c.676T>C, p.Tyr226His (NM_001282549.2); short protein forms Y226H, Y269H, Y739H, Y288H, Y720H.
Identifiers: ClinVar variation 1787832 (VCV001787832.7), dbSNP rs876660746, ClinGen allele CA350450173.